The following is an entry in ClinVar:

NM_000235.4(LIPA):c.883C>T (p.His295Tyr)

Gene: LIPA (lipase A, lysosomal acid type; minus strand). Cytogenetic location: 10q23.31.
Variant type: single nucleotide variant.
Coding change: c.883C>T on transcript NM_000235.4 (MANE Select); coding-DNA position 883, C replaced by T.
Protein change: p.His295Tyr; replaces histidine 295 with tyrosine.
Molecular consequence: missense variant.
Genome position (GRCh38, 1-based): chr10:89,222,522, G>A on the plus strand (C>T on the coding strand, the complement: LIPA is on the minus strand). VCF-style: chr10-89222522-G-A. GRCh37 (hg19) VCF-style: chr10-90982279-G-A.
Other names: c.883C>T, p.His295Tyr (NM_001127605.3); c.535C>T, p.His179Tyr (NM_001288979.2); c.883C>T (NM_000235.3); short protein forms H295Y, H179Y.
Identifiers: ClinVar variation 556192 (VCV000556192.6), dbSNP rs1554865214, ClinGen allele CA377516664.
Genomic context (GRCh38, chr10:89,222,522, plus strand): 5'-TCTGATGTTGATTTTACATGAACCCCAAATGCACTCCTGGAATGCCTACCTGGCTCCAGT[G>A]TAACATGTTTTGCACAGAAGTTCCAGCAGGAGAATGTGTTGTATATACATCCACTCTAGA-3'
Protein context (NP_000226.2, residues 285-305): PAGTSVQNML[His295Tyr]WSQAVKFQKF

ClinVar aggregate classification (germline): Likely pathogenic. Review status: criteria provided, multiple submitters, no conflicts (2 of 4 stars). 4 submissions from 4 submitters: Likely pathogenic (3). 1 of the submissions does not count toward it. Last evaluated 2025-10-15.

Conditions:
Cholesteryl ester storage disease (CESD). Also called: Childhood/Adult-Onset LAL-D (Cholesterol Ester Storage Disease [CESD]). Identifiers: Orphanet 75234, MedGen C0008384, MONDO:0019149, OMIM 278000.
Wolman disease (WOLD). Also called: Wolman disease, CESD; LYSOSOMAL ACID LIPASE DEFICIENCY, ACUTE INFANTILE; LYSOSOMAL ACID LIPASE DEFICIENCY, COMPLETE; LIPA DEFICIENCY, COMPLETE; LAL DEFICIENCY, COMPLETE; CHOLESTEROL ESTER HYDROLASE DEFICIENCY, COMPLETE. Identifiers: Orphanet 75233, MedGen C0043208, MONDO:0019148, OMIM 620151.
Lysosomal acid lipase deficiency. Also called: Acid cholesteryl ester hydrolase deficiency, type 2. Identifiers: Orphanet 275761, MedGen C5574740, MONDO:0800449, MONDO:0010204.

Allele frequency attached by ClinVar (database versions not stated): TOPMed below 0.00001.

Submissions (4):

Natera, Inc.
Classification: Likely pathogenic for Lysosomal acid lipase deficiency. Last evaluated: 2025-10-15. Review status: criteria provided, single submitter. Criteria: Natera Variant Classification Schema (03/2026). Collection method: clinical testing. Allele origin: germline.
Comment: The c.883C>T variant in LIPA is a missense variant predicted to cause substitution of histidine to tyrosine at amino acid 295. This variant is rare in the general population with a frequency below the threshold expected for the associated phenotype(s). This variant has been observed in one or more individuals affected with the associated recessive disease, as either homozygous or compound heterozygous with a second variant (PMID: 7833918, 22227072). Functional studies show that this variant may disrupt protein function (PMID: 25620107). Computational prediction algorithms indicate this variant is likely to affect gene or protein function. Given the available evidence, this variant is classified as Likely Pathogenic.

Fulgent Genetics
Classification: Likely pathogenic for Cholesteryl ester storage disease; Wolman disease. Last evaluated: 2024-05-13. Review status: criteria provided, single submitter. Criteria: ACMG Guidelines, 2015. Collection method: clinical testing. Allele origin: germline.

Women's Health and Genetics/Laboratory Corporation of America, LabCorp
Classification: Likely pathogenic for Wolman disease. Last evaluated: 2024-05-01. Review status: criteria provided, single submitter. Criteria: LabCorp Variant Classification Summary - May 2015. Collection method: clinical testing. Allele origin: germline.
Comment: Variant summary: LIPA c.883C>T (p.His295Tyr) results in a conservative amino acid change in the Alpha/beta hydrolase fold-1 domain (IPR000073) of the encoded protein sequence. Four of five in-silico tools predict a damaging effect of the variant on protein function. The variant was absent in 251260 control chromosomes. c.883C>T has been reported in the literature in individuals affected with cholesteryl ester storage disease (Fasano_2012). These data indicate that the variant may be associated with disease. At least one publication reports experimental evidence evaluating an impact on protein function. The most pronounced variant effect results in little secretion of LIPA into the culturing medium in HepG2 cells (Vinje_2019). The following publications have been ascertained in the context of this evaluation (PMID: 22227072, 31131398). ClinVar contains an entry for this variant (Variation ID: 556192). Based on the evidence outlined above, the variant was classified as likely pathogenic.

Counsyl
Classification: Likely pathogenic for Cholesteryl ester storage disease. Last evaluated: 2018-01-17. Review status: no assertion criteria provided. Collection method: clinical testing. Allele origin: unknown. Not counted in ClinVar's aggregate classification.

Literature cited by the submitters: PubMed 7833918 (cited by Natera, Inc. and Counsyl); PubMed 22227072 (cited by 3 submitters); PubMed 25620107 (cited by Natera, Inc. and Counsyl); PubMed 31131398 (cited by Women's Health and Genetics/Laboratory Corporation of America, LabCorp); PubMed 8894696 (cited by Counsyl); PubMed 9367797 (cited by Counsyl); PubMed 9684740 (cited by Counsyl).